The following is an entry in ClinVar:

ClinVar aggregate classification (germline): Uncertain significance (1 of 4 stars; one submission).

Allele frequency attached by ClinVar (database versions not stated): gnomAD 0.00001; TOPMed 0.00001.
gnomAD v4.1: 2 of 1,613,898 alleles (0.00012%); highest among the groups gnomAD compares: African/African-American, 0.0027%; no homozygotes.

Submission:

Labcorp Genetics (formerly Invitae), Labcorp
Classification: Uncertain significance. Last evaluated: 2022-08-19. Review status: criteria provided, single submitter. Criteria: Invitae Variant Classification Sherloc (09022015). Collection method: clinical testing. Allele origin: germline.
Comment: Algorithms developed to predict the effect of missense changes on protein structure and function are either unavailable or do not agree on the potential impact of this missense change (SIFT: "Deleterious"; PolyPhen-2: "Benign"; Align-GVGD: "Class C25"). In summary, the available evidence is currently insufficient to determine the role of this variant in disease. Therefore, it has been classified as a Variant of Uncertain Significance. This variant has not been reported in the literature in individuals affected with DMXL2-related conditions. This variant is present in population databases (no rsID available, gnomAD 0.02%). This sequence change replaces valine, which is neutral and non-polar, with isoleucine, which is neutral and non-polar, at codon 1262 of the DMXL2 protein (p.Val1262Ile).

NM_001378457.1(DMXL2):c.3784G>A (p.Val1262Ile)

Gene: DMXL2 (Dmx like 2; minus strand). Cytogenetic location: 15q21.2.
Variant type: single nucleotide variant.
Coding change: c.3784G>A on transcript NM_001378457.1 (MANE Select); coding-DNA position 3784, G replaced by A.
Protein change: p.Val1262Ile; replaces valine 1262 with isoleucine.
Molecular consequence: missense variant. On other transcripts: non-coding transcript variant (2), intron variant (2).
Genome position (GRCh38, 1-based): chr15:51,499,440, C>T on the plus strand (G>A on the coding strand, the complement: DMXL2 is on the minus strand). VCF-style: chr15-51499440-C-T. GRCh37 (hg19) VCF-style: chr15-51791637-C-T.
Other names: c.3784G>A, p.Val1262Ile (NM_001174116.3, NM_001378458.1, NM_001378459.1 and 4 more transcripts); c.3544G>A, p.Val1182Ile (NM_001378464.1); c.2765-7693G>A (NM_001378460.1); c.2765-4306G>A (NM_001174117.3); short protein forms V1182I, V1262I.
Identifiers: ClinVar variation 2421443 (VCV002421443.4), dbSNP rs1003337750, ClinGen allele CA270574240.